The following is an entry in ClinVar:

NM_001350451.2(RBFOX3):c.223-9_223-8del

Gene: RBFOX3 (RNA binding fox-1 homolog 3; minus strand). Cytogenetic location: 17q25.3.
Variant type: Microsatellite.
Coding change: c.223-9_223-8del on transcript NM_001350451.2 (MANE Select); 9 bases into the intron before coding-DNA position 223 through 8 bases into the intron before coding-DNA position 223, 2 bases deleted (TC; older notation c.223-9_223-8delTC).
Molecular consequence: intron variant.
Genome position (GRCh38, 1-based): chr17:79,106,796-79,106,797, GA deleted on the plus strand (TC on the coding strand, the reverse complement: RBFOX3 is on the minus strand); deleting any 2 consecutive bases within chr17:79,106,796-79,106,800 gives the same sequence; the c. name uses the placement nearest the transcript's 3' end. VCF-style (leftmost placement, unchanged base first): chr17-79106795-GGA-G. GRCh37 (hg19) VCF-style: chr17-77102877-GGA-G.
Other names: c.223-9_223-8del (NM_001385807.1, NM_001385838.1, NM_001385842.1 and 36 more transcripts); c.223-12_223-11del (NM_001385846.1, NM_001385822.1, NM_001385845.1 and 4 more transcripts).
Identifiers: ClinVar variation 2738251 (VCV002738251.3), dbSNP rs2510278155, ClinGen allele CA2697555267.

ClinVar aggregate classification (germline): Uncertain significance (1 of 4 stars; one submission).

Conditions:
Idiopathic generalized epilepsy. Also called: EIG; Generalised epilepsy. Identifiers: MedGen C0270850, MONDO:0005579, OMIM 600669.

Submission:

Labcorp Genetics (formerly Invitae), Labcorp
Classification: Uncertain significance for Idiopathic generalized epilepsy. Last evaluated: 2023-08-23. Review status: criteria provided, single submitter. Criteria: Invitae Variant Classification Sherloc (09022015). Collection method: clinical testing. Allele origin: germline.
Comment: In summary, the available evidence is currently insufficient to determine the role of this variant in disease. Therefore, it has been classified as a Variant of Uncertain Significance. This sequence change falls in intron 5 of the RBFOX3 gene. It does not directly change the encoded amino acid sequence of the RBFOX3 protein. This variant is not present in population databases (gnomAD no frequency). This variant has not been reported in the literature in individuals affected with RBFOX3-related conditions. Algorithms developed to predict the effect of sequence changes on RNA splicing suggest that this variant may disrupt the consensus splice site.